The following is an entry in ClinVar:

NM_000038.6(APC):c.3644G>T (p.Ser1215Ile)

Gene: APC (APC regulator of Wnt signaling pathway; plus strand). Cytogenetic location: 5q22.2.
Variant type: single nucleotide variant.
Coding change: c.3644G>T on transcript NM_000038.6 (MANE Select); coding-DNA position 3644, G replaced by T.
Protein change: p.Ser1215Ile; replaces serine 1215 with isoleucine.
Molecular consequence: missense variant. On other transcripts: non-coding transcript variant (2).
Genome position (GRCh38, 1-based): chr5:112,839,238, G>T. VCF-style: chr5-112839238-G-T. GRCh37 (hg19) VCF-style: chr5-112174935-G-T.
Other names: c.3698G>T, p.Ser1233Ile (NM_001407449.1, NM_001354896.2, NM_001407447.1 and 1 more transcripts); c.3644G>T, p.Ser1215Ile (NM_001407450.1, NM_001127510.3, NM_001354895.2); c.3623G>T, p.Ser1208Ile (NM_001407451.1); c.3395G>T, p.Ser1132Ile (NM_001407455.1, NM_001407456.1, NM_001407457.1 and 1 more transcripts); c.3467G>T, p.Ser1156Ile (NM_001407453.1, NM_001354901.2); c.3614G>T, p.Ser1205Ile (NM_001407452.1); c.3590G>T, p.Ser1197Ile (NM_001127511.3); c.3674G>T, p.Ser1225Ile (NM_001354897.2); and 11 more; short protein forms S1086I, S1156I, S1190I, S1225I, S1243I, S831I, S1187I, S1197I.
Identifiers: ClinVar variation 2452687 (VCV002452687.3), dbSNP rs587778041, ClinGen allele CA16029336.

ClinVar aggregate classification (germline): Uncertain significance. Review status: criteria provided, multiple submitters, no conflicts (2 of 4 stars). 2 submissions from 2 submitters: Uncertain significance (2). Last evaluated 2025-06-20.

Conditions:
Familial adenomatous polyposis 1 (FAP1). Also called: POLYPOSIS, ADENOMATOUS INTESTINAL; FAMILIAL ADENOMATOUS POLYPOSIS 1, ATTENUATED. Identifiers: MedGen C2713442, MONDO:0021056, OMIM 175100. Disease mechanism: loss of function.
Hereditary cancer-predisposing syndrome. Also called: Neoplastic Syndromes, Hereditary; Tumor predisposition; Hereditary neoplastic syndrome; Hereditary Cancer Syndrome. Identifiers: Orphanet 140162, MedGen C0027672, MeSH D009386, MONDO:0015356.

Submissions (2):

Labcorp Genetics (formerly Invitae), Labcorp
Classification: Uncertain significance for Familial adenomatous polyposis 1. Last evaluated: 2025-06-20. Review status: criteria provided, single submitter. Criteria: Invitae Variant Classification Sherloc (09022015). Collection method: clinical testing. Allele origin: germline.
Comment: This sequence change replaces serine, which is neutral and polar, with isoleucine, which is neutral and non-polar, at codon 1215 of the APC protein (p.Ser1215Ile). This variant is not present in population databases (gnomAD no frequency). This variant has not been reported in the literature in individuals affected with APC-related conditions. ClinVar contains an entry for this variant (Variation ID: 2452687). Invitae Evidence Modeling of protein sequence and biophysical properties (such as structural, functional, and spatial information, amino acid conservation, physicochemical variation, residue mobility, and thermodynamic stability) indicates that this missense variant is not expected to disrupt APC protein function with a negative predictive value of 95%. In summary, the available evidence is currently insufficient to determine the role of this variant in disease. Therefore, it has been classified as a Variant of Uncertain Significance.

Ambry Genetics
Classification: Uncertain significance for Hereditary cancer-predisposing syndrome. Last evaluated: 2022-11-24. Review status: criteria provided, single submitter. Criteria: Ambry Variant Classification Scheme 2023. Collection method: clinical testing. Allele origin: germline.
Comment: The p.S1215I variant (also known as c.3644G>T), located in coding exon 15 of the APC gene, results from a G to T substitution at nucleotide position 3644. The serine at codon 1215 is replaced by isoleucine, an amino acid with dissimilar properties. This amino acid position is conserved. In addition, in silico predictors for this gene do not accurately predict pathogenicity. Since supporting evidence is limited at this time, the clinical significance of this alteration remains unclear.